The following is an entry in ClinVar:

ClinVar aggregate classification (germline): Benign. Review status: criteria provided, multiple submitters, no conflicts (2 of 4 stars). 11 submissions from 11 submitters: Benign (10). 1 of the submissions does not count toward it. Last evaluated 2026-02-04.

Conditions:
Bartter syndrome. Identifiers: Orphanet 112, MedGen C0004775, MONDO:0015231.
Bartter disease type 4A. Also called: BARTTER SYNDROME, TYPE 4A, NEONATAL, WITH SENSORINEURAL DEAFNESS; BARTTER SYNDROME, NEONATAL, WITH SENSORINEURAL DEAFNESS. Identifiers: Orphanet 112, MedGen C1865270, MONDO:0011242, OMIM 602522.

Allele frequency attached by ClinVar (database versions not stated): 1000 Genomes Project 0.11601; 1000 Genomes Project 30x 0.11930; ExAC 0.15861; TOPMed 0.17609; gnomAD 0.17842 and 0.18512; ESP Exome Variant Server 0.19968.

Submissions (11):

Labcorp Genetics (formerly Invitae), Labcorp
Classification: Benign. Last evaluated: 2026-02-04. Review status: criteria provided, single submitter. Criteria: Invitae Variant Classification Sherloc (09022015). Collection method: clinical testing. Allele origin: germline.

Blueprint Genetics
Classification: Benign. Last evaluated: 2024-11-26. Review status: criteria provided, single submitter. Criteria: ACMG Guidelines, 2015. Collection method: clinical testing. Allele origin: germline.

Mayo Clinic Laboratories, Mayo Clinic
Classification: Benign. Last evaluated: 2022-03-09. Review status: criteria provided, single submitter. Criteria: ACMG Guidelines, 2015. Collection method: clinical testing. Allele origin: germline. Observed: 121 variant alleles.

Genome-Nilou Lab
Classification: Benign for Bartter disease type 4A. Last evaluated: 2021-07-10. Review status: criteria provided, single submitter. Criteria: ACMG Guidelines, 2015. Collection method: clinical testing. Allele origin: germline. Affected: no.

Illumina Laboratory Services, Illumina
Classification: Benign for Bartter disease type 4A. Last evaluated: 2018-01-12. Review status: criteria provided, single submitter. Criteria: ICSL Variant Classification Criteria 13 December 2019. Collection method: clinical testing. Allele origin: germline.
Comment: This variant was observed in the ICSL laboratory as part of a predisposition screen in an ostensibly healthy population. It had not been previously curated by ICSL or reported in the Human Gene Mutation Database (HGMD: prior to June 1st, 2018), and was therefore a candidate for classification through an automated scoring system. Utilizing variant allele frequency, disease prevalence and penetrance estimates, and inheritance mode, an automated score was calculated to assess if this variant is too frequent to cause the disease. Based on the score and internal cut-off values, a variant classified as benign is not then subjected to further curation. The score for this variant resulted in a classification of benign for this disease.

Athena Diagnostics
Classification: Benign for Bartter disease type 4A. Last evaluated: 2017-06-02. Review status: criteria provided, single submitter. Criteria: Athena Diagnostics Criteria. Collection method: clinical testing. Allele origin: germline.

GeneDx
Classification: Benign. Last evaluated: 2017-05-09. Review status: criteria provided, single submitter. Criteria: GeneDx Variant Classification (06012015). Collection method: clinical testing. Allele origin: germline. Affected: yes.
Comment: This variant is considered likely benign or benign based on one or more of the following criteria: it is a conservative change, it occurs at a poorly conserved position in the protein, it is predicted to be benign by multiple in silico algorithms, and/or has population frequency not consistent with disease.

Laboratory for Molecular Medicine, Mass General Brigham Personalized Medicine
Classification: Benign. Last evaluated: 2012-05-07. Review status: criteria provided, single submitter. Criteria: LMM Criteria. Collection method: clinical testing. Allele origin: germline. Observed: 505 variant alleles.
Comment: "Pro308Pro in Exon 04 of BSND: This variant is not expected to have clinical sig nificance because it does not alter an amino acid residue, is not located within the splice consensus sequence, and has been identified in 20.5% (1438/7020) of European American chromosomes from a broad population by the NHLBI Exome Sequenc ing Project (dbSNP rs33938617)."

Breakthrough Genomics
Classification: Benign. Review status: criteria provided, single submitter. Criteria: ACMG Guidelines, 2015. Collection method: not provided. Allele origin: germline. Inheritance: Autosomal recessive inheritance. Affected: yes.

PreventionGenetics, part of Exact Sciences
Classification: Benign. Review status: criteria provided, single submitter. Criteria: ACMG Guidelines, 2015. Collection method: clinical testing. Allele origin: germline.

Natera, Inc.
Classification: Benign for Bartter syndrome. Last evaluated: 2020-09-16. Review status: no assertion criteria provided. Collection method: clinical testing. Allele origin: germline. Not counted in ClinVar's aggregate classification.

NM_057176.3(BSND):c.924G>A (p.Pro308=)

Gene: BSND (barttin CLCNK type accessory subunit beta; plus strand). Cytogenetic location: 1p32.3.
Variant type: single nucleotide variant.
Coding change: c.924G>A on transcript NM_057176.3 (MANE Select); coding-DNA position 924, G replaced by A.
Protein change: p.Pro308=; no amino-acid change (proline 308 retained).
Molecular consequence: synonymous variant.
Genome position (GRCh38, 1-based): chr1:55,008,589, G>A. VCF-style: chr1-55008589-G-A. GRCh37 (hg19) VCF-style: chr1-55474262-G-A.
Other names: p.Pro308=.
Identifiers: ClinVar variation 46553 (VCV000046553.24), dbSNP rs33938617, ClinGen allele CA138610.